The following is an entry in ClinVar:

ClinVar aggregate classification (germline): Conflicting classifications of pathogenicity. Review status: criteria provided, conflicting classifications (1 of 4 stars). 5 submissions from 5 submitters: Likely pathogenic (2); Uncertain significance (3). Last evaluated 2025-12-20.

Conditions:
Complex cortical dysplasia with other brain malformations 1. Identifiers: Orphanet 300570, MedGen C3808397, MONDO:0013541, OMIM 614039.

Allele frequency attached by ClinVar (database versions not stated): gnomAD exomes below 0.00001.
gnomAD v4.1: 2 of 1,614,224 alleles (0.00012%); highest among the groups gnomAD compares: Non-Finnish European, 0.000085%; no homozygotes.

Submissions (5):

GeneDx
Classification: Uncertain significance. Last evaluated: 2025-12-20. Review status: criteria provided, single submitter. Criteria: GeneDx Variant Classification Process June 2021. Collection method: clinical testing. Allele origin: germline. Affected: yes.
Comment: Not observed at significant frequency in large population cohorts (gnomAD); Missense variants in this gene are a common cause of disease and they are underrepresented in the general population; In silico analysis suggests that this missense variant does not alter protein structure/function; Has not been previously published as pathogenic or benign to our knowledge; This variant is associated with the following publications: (PMID: 20829227)

Department of Human Genetics, Hannover Medical School
Classification: Likely pathogenic for Complex cortical dysplasia with other brain malformations 1. Last evaluated: 2024-03-21. Review status: criteria provided, single submitter. Criteria: ACMG Guidelines, 2015. Collection method: clinical testing. Allele origin: de novo. Affected: yes.

Labcorp Genetics (formerly Invitae), Labcorp
Classification: Uncertain significance. Last evaluated: 2023-11-10. Review status: criteria provided, single submitter. Criteria: Invitae Variant Classification Sherloc (09022015). Collection method: clinical testing. Allele origin: germline.
Comment: This sequence change replaces valine, which is neutral and non-polar, with methionine, which is neutral and non-polar, at codon 353 of the TUBB3 protein (p.Val353Met). This variant is not present in population databases (gnomAD no frequency). This variant has not been reported in the literature in individuals affected with TUBB3-related conditions. ClinVar contains an entry for this variant (Variation ID: 808167). Advanced modeling of protein sequence and biophysical properties (such as structural, functional, and spatial information, amino acid conservation, physicochemical variation, residue mobility, and thermodynamic stability) performed at Invitae indicates that this missense variant is not expected to disrupt TUBB3 protein function with a negative predictive value of 80%. In summary, the available evidence is currently insufficient to determine the role of this variant in disease. Therefore, it has been classified as a Variant of Uncertain Significance.

Clinical Genomics Laboratory, Washington University in St. Louis
Classification: Likely pathogenic for Complex cortical dysplasia with other brain malformations 1. Last evaluated: 2023-07-10. Review status: criteria provided, single submitter. Criteria: ACMG Guidelines, 2015. Collection method: clinical testing. Allele origin: germline. Affected: yes.
Comment: The TUBB3 c.1057G>A (p.Val353Met) variant, to our knowledge, has not been reported in the medical literature. It has been reported in the ClinVar database as a germline variant of uncertain significance. This variant is absent from the general population (gnomAD v.2.1.1), indicating it is not a common variant. Computational predictors indicate that the variant is damaging, evidence that correlates with impact to TUBB3 function. In support of this prediction, the amino acid at this position occurs in the intermediate domain of the protein in a region that is depleted of normal variation in the general population and has an increased incidence of pathogenic variation in the gene family, indicating this variant may be deleterious (perviewer). Additionally, a missense change in the analogous residue position in TUBB5, p.Val353Ile, has been detected occurring de novo in an individual affected by microcephaly with structural brain abnormalities and is considered pathogenic (Breuss M et al., PMID: 23246003). Based on available information and the ACMG/AMP guidelines for variant interpretation (Richards S et al., PMID: 25741868), this variant is classified as likely pathogenic.

CeGaT Center for Human Genetics Tuebingen
Classification: Uncertain significance. Last evaluated: 2017-03-01. Review status: criteria provided, single submitter. Criteria: CeGaT Center For Human Genetics Tuebingen Variant Classification Criteria Version 2. Collection method: clinical testing. Allele origin: germline. Affected: yes. Observed: 1 variant allele.

NM_006086.4(TUBB3):c.1057G>A (p.Val353Met)

Gene: TUBB3 (tubulin beta 3 class III; plus strand). Cytogenetic location: 16q24.3.
Variant type: single nucleotide variant.
Coding change: c.1057G>A on transcript NM_006086.4 (MANE Select); coding-DNA position 1057, G replaced by A.
Protein change: p.Val353Met; replaces valine 353 with methionine.
Molecular consequence: missense variant.
Genome position (GRCh38, 1-based): chr16:89,935,508, G>A. VCF-style: chr16-89935508-G-A. GRCh37 (hg19) VCF-style: chr16-90001916-G-A.
Other names: c.841G>A, p.Val281Met (NM_001197181.2); short protein forms V353M, V281M.
Identifiers: ClinVar variation 808167 (VCV000808167.51), dbSNP rs1597425155, ClinGen allele CA397476623.